The following is an entry in ClinVar:

ClinVar aggregate classification (germline): Uncertain significance (1 of 4 stars; one submission).

Allele frequency attached by ClinVar (database versions not stated): gnomAD exomes below 0.00001 and 0.00001; ExAC 0.00001; TOPMed 0.00002; gnomAD 0.00003 and 0.00004.
gnomAD v4.1: 7 of 1,613,952 alleles (0.00043%); highest among the groups gnomAD compares: African/African-American, 0.0067%; no homozygotes.

Submission:

Labcorp Genetics (formerly Invitae), Labcorp
Classification: Uncertain significance. Last evaluated: 2021-09-07. Review status: criteria provided, single submitter. Criteria: Invitae Variant Classification Sherloc (09022015). Collection method: clinical testing. Allele origin: germline.
Comment: Algorithms developed to predict the effect of missense changes on protein structure and function output the following: SIFT: "Tolerated"; PolyPhen-2: "Benign"; Align-GVGD: "Class C0". The serine amino acid residue is found in multiple mammalian species, which suggests that this missense change does not adversely affect protein function. This variant has not been reported in the literature in individuals affected with AGBL5-related conditions. This variant is present in population databases (rs773270119, ExAC 0.01%). This sequence change replaces leucine with serine at codon 754 of the AGBL5 protein (p.Leu754Ser). The leucine residue is weakly conserved and there is a large physicochemical difference between leucine and serine. In summary, the available evidence is currently insufficient to determine the role of this variant in disease. Therefore, it has been classified as a Variant of Uncertain Significance.

NM_021831.6(AGBL5):c.2261T>C (p.Leu754Ser)

Gene: AGBL5 (AGBL carboxypeptidase 5; plus strand). Cytogenetic location: 2p23.3.
Variant type: single nucleotide variant.
Coding change: c.2261T>C on transcript NM_021831.6 (MANE Select); coding-DNA position 2261, T replaced by C.
Protein change: p.Leu754Ser; replaces leucine 754 with serine.
Molecular consequence: missense variant. On other transcripts: non-coding transcript variant (2).
Genome position (GRCh38, 1-based): chr2:27,068,650, T>C. VCF-style: chr2-27068650-T-C. GRCh37 (hg19) VCF-style: chr2-27291518-T-C.
Other names: short protein forms L754S.
Identifiers: ClinVar variation 1503746 (VCV001503746.6), dbSNP rs773270119, ClinGen allele CA1568177.